The following is an entry in ClinVar:

ClinVar aggregate classification (germline): Uncertain significance (1 of 4 stars; one submission).

Conditions:
Frontotemporal dementia and/or amyotrophic lateral sclerosis 4. Also called: FTDALS4. Identifiers: Orphanet 275872, MedGen C4225325, MONDO:0014641, OMIM 616439.

gnomAD v4.1: 3 of 1,579,506 alleles (0.00019%); highest among the groups gnomAD compares: South Asian, 0.0012%; no homozygotes.

Submission:

Labcorp Genetics (formerly Invitae), Labcorp
Classification: Uncertain significance for Frontotemporal dementia and/or amyotrophic lateral sclerosis 4. Last evaluated: 2024-12-28. Review status: criteria provided, single submitter. Criteria: Invitae Variant Classification Sherloc (09022015). Collection method: clinical testing. Allele origin: germline.
Comment: This sequence change replaces arginine, which is basic and polar, with histidine, which is basic and polar, at codon 47 of the TBK1 protein (p.Arg47His). This variant is not present in population databases (gnomAD no frequency). This missense change has been observed in individual(s) with amyotrophic lateral sclerosis (PMID: 25803835). Invitae Evidence Modeling of protein sequence and biophysical properties (such as structural, functional, and spatial information, amino acid conservation, physicochemical variation, residue mobility, and thermodynamic stability) indicates that this missense variant is not expected to disrupt TBK1 protein function with a negative predictive value of 95%. Experimental studies have shown that this missense change affects TBK1 function (PMID: 25803835, 31748271, 32413959). In summary, the available evidence is currently insufficient to determine the role of this variant in disease. Therefore, it has been classified as a Variant of Uncertain Significance.

Literature cited by the submitters: PubMed 25803835; PubMed 31748271; PubMed 32413959.

NM_013254.4(TBK1):c.140G>A (p.Arg47His)

Gene: TBK1 (TANK binding kinase 1; plus strand). Cytogenetic location: 12q14.2.
Variant type: single nucleotide variant.
Coding change: c.140G>A on transcript NM_013254.4 (MANE Select); coding-DNA position 140, G replaced by A.
Protein change: p.Arg47His; replaces arginine 47 with histidine.
Molecular consequence: missense variant.
Genome position (GRCh38, 1-based): chr12:64,460,241, G>A. VCF-style: chr12-64460241-G-A. GRCh37 (hg19) VCF-style: chr12-64854021-G-A.
Other names: short protein forms R47H.
Identifiers: ClinVar variation 3721168 (VCV003721168.2).